The following is an entry in ClinVar:

ClinVar aggregate classification (germline): Likely benign. Review status: criteria provided, multiple submitters, no conflicts (2 of 4 stars). 3 submissions from 3 submitters: Likely benign (2). 1 of the submissions does not count toward it. Last evaluated 2026-01-21.

Conditions:
Myopathy, lactic acidosis, and sideroblastic anemia. Also called: Mitochondrial myopathy and sideroblastic anemia; Myopathy with lactic acidosis and sideroblastic anemia. Identifiers: Orphanet 2598, MedGen C1838103, MONDO:0000863.

Allele frequency attached by ClinVar (database versions not stated): gnomAD exomes 0.00002 and 0.00003; gnomAD 0.00010 and 0.00011; TOPMed 0.00010; ExAC 0.00012; 1000 Genomes Project 0.00020; 1000 Genomes Project 30x 0.00062.
gnomAD v4.1: 40 of 1,493,090 alleles (0.0027%); highest among the groups gnomAD compares: Middle Eastern, 0.063%; no homozygotes.

Submissions (3):

Labcorp Genetics (formerly Invitae), Labcorp
Classification: Likely benign. Last evaluated: 2026-01-21. Review status: criteria provided, single submitter. Criteria: Invitae Variant Classification Sherloc (09022015). Collection method: clinical testing. Allele origin: germline.

CeGaT Center for Human Genetics Tuebingen
Classification: Likely benign. Last evaluated: 2024-10-01. Review status: criteria provided, single submitter. Criteria: CeGaT Center For Human Genetics Tuebingen Variant Classification Criteria Version 2. Collection method: clinical testing. Allele origin: germline. Affected: yes. Observed: 2 variant alleles.
Comment: PUS1: BP4, BP7

Natera, Inc.
Classification: Likely benign for Mitochondrial myopathy and sideroblastic anemia. Last evaluated: 2019-10-24. Review status: no assertion criteria provided. Collection method: clinical testing. Allele origin: germline. Not counted in ClinVar's aggregate classification.

NM_025215.6(PUS1):c.111C>T (p.Pro37=)

Genes: PUS1 (pseudouridine synthase 1; plus strand), LOC130009240 (ATAC-STARR-seq lymphoblastoid silent region 5107; plus strand). Cytogenetic location: 12q24.33.
Variant type: single nucleotide variant.
Coding change: c.111C>T on transcript NM_025215.6 (MANE Select); coding-DNA position 111, C replaced by T.
Protein change: p.Pro37=; no amino-acid change (proline 37 retained).
Molecular consequence: synonymous variant.
Genome position (GRCh38, 1-based): chr12:131,929,943, C>T. VCF-style: chr12-131929943-C-T. GRCh37 (hg19) VCF-style: chr12-132414488-C-T.
Other names: c.27C>T, p.Pro9= (NM_001002019.3, NM_001002020.3).
Identifiers: ClinVar variation 1147629 (VCV001147629.34), dbSNP rs543944505, ClinGen allele CA6884000.